The following is an entry in ClinVar:

NM_005554.4(KRT6A):c.592C>T (p.Leu198=)

Gene: KRT6A (keratin 6A; minus strand). Cytogenetic location: 12q13.13.
Variant type: single nucleotide variant.
Coding change: c.592C>T on transcript NM_005554.4 (MANE Select); coding-DNA position 592, C replaced by T.
Protein change: p.Leu198=; no amino-acid change (leucine 198 retained).
Molecular consequence: synonymous variant.
Genome position (GRCh38, 1-based): chr12:52,491,685, G>A on the plus strand (C>T on the coding strand, the complement: KRT6A is on the minus strand). VCF-style: chr12-52491685-G-A. GRCh37 (hg19) VCF-style: chr12-52885469-G-A.
Identifiers: ClinVar variation 3041115 (VCV003041115.2), dbSNP rs1398015289, ClinGen allele CA479855726.
Genomic context (GRCh38, chr12:52,491,685, plus strand): 5'-TGTACTGCTCGAACAACGGCTCCAGGTTCTGCCTCACAGTCTTGGTGCCCTGCTCCTGCA[G>A]CAGGGTCCACTTTGTTTCCAGAACCTTGTTCTGCTGCTCCAGGAACCGCACCTGAAAGAG-3'
Protein context (NP_005545.1, residues 188-208): NKVLETKWTL[Leu198=]QEQGTKTVRQ

ClinVar aggregate classification (germline): Likely benign (0 of 4 stars; one submission).

Conditions:
KRT6A-related disorder. Also called: KRT6A-related condition.

Allele frequency attached by ClinVar (database versions not stated): gnomAD exomes 0.00001.

Submission:

PreventionGenetics, part of Exact Sciences
Classification: Likely benign for KRT6A-related condition. Last evaluated: 2019-09-17. Review status: no assertion criteria provided. Collection method: clinical testing. Allele origin: germline.
Comment: This variant is classified as likely benign based on ACMG/AMP sequence variant interpretation guidelines (Richards et al. 2015 PMID: 25741868, with internal and published modifications).